The following is an entry in ClinVar:

NM_015509.4(NECAP1):c.95+4C>T

Genes: NECAP1 (NECAP endocytosis associated 1; plus strand), LOC126861440 (MED14-independent group 3 enhancer GRCh37_chr12:8234132-8235331; plus strand). Cytogenetic location: 12p13.31.
Variant type: single nucleotide variant.
Coding change: c.95+4C>T on transcript NM_015509.4 (MANE Select); 4 bases into the intron after coding-DNA position 95, C replaced by T.
Molecular consequence: intron variant.
Genome position (GRCh38, 1-based): chr12:8,082,387, C>T. VCF-style: chr12-8082387-C-T. GRCh37 (hg19) VCF-style: chr12-8234983-C-T.
Identifiers: ClinVar variation 1955215 (VCV001955215.5), dbSNP rs1756576253, ClinGen allele CA2014859392.
Genomic context (GRCh38, chr12:8,082,387, plus strand): 5'-GAAGCCAGACGTCAGCGTCTACCGGATTCCGCCCCGGGCCTCCAACCGCGGTTACAGGTA[C>T]TAACCCCGAGGCGCTGCCGCACACGCGTACTCTGTCGCAGATGACAGCTTCCTTCTCAGC-3'

ClinVar aggregate classification (germline): Uncertain significance (1 of 4 stars; one submission).

Conditions:
Developmental and epileptic encephalopathy, 21 (DEE21). Also called: Early infantile epileptic encephalopathy 21. Identifiers: Orphanet 442835, MedGen C4014430, MONDO:0014360, OMIM 615833.

Allele frequency attached by ClinVar (database versions not stated): gnomAD exomes below 0.00001; TOPMed below 0.00001.
gnomAD v4.1: 6 of 1,613,098 alleles (0.00037%); highest among the groups gnomAD compares: Non-Finnish European, 0.00042%; no homozygotes.

Submission:

Labcorp Genetics (formerly Invitae), Labcorp
Classification: Uncertain significance for Developmental and epileptic encephalopathy, 21. Last evaluated: 2022-12-19. Review status: criteria provided, single submitter. Criteria: Invitae Variant Classification Sherloc (09022015). Collection method: clinical testing. Allele origin: germline.
Comment: This sequence change falls in intron 1 of the NECAP1 gene. It does not directly change the encoded amino acid sequence of the NECAP1 protein. It affects a nucleotide within the consensus splice site. This variant is not present in population databases (gnomAD no frequency). This variant has not been reported in the literature in individuals affected with NECAP1-related conditions. Variants that disrupt the consensus splice site are a relatively common cause of aberrant splicing (PMID: 17576681, 9536098). Algorithms developed to predict the effect of sequence changes on RNA splicing suggest that this variant is not likely to affect RNA splicing. In summary, the available evidence is currently insufficient to determine the role of this variant in disease. Therefore, it has been classified as a Variant of Uncertain Significance.

Literature cited by the submitters: PubMed 17576681; PubMed 9536098.